The following is an entry in ClinVar:

ClinVar aggregate classification (germline): Uncertain significance. Review status: criteria provided, multiple submitters, no conflicts (2 of 4 stars). 2 submissions from 2 submitters: Uncertain significance (2). Last evaluated 2024-12-25.

Conditions:
Inborn genetic diseases. Identifiers: MedGen C0950123, MeSH D030342.
Short-rib thoracic dysplasia 11 with or without polydactyly (SRTD11). Also called: SHORT-RIB THORACIC DYSPLASIA 11 WITHOUT POLYDACTYLY. Identifiers: Orphanet 474, Orphanet 93271, MedGen C3810200, MONDO:0014287, OMIM 615633.

gnomAD v4.1: 1 of 1,613,318 alleles (0.000062%); no homozygotes.

Submissions (2):

Ambry Genetics
Classification: Uncertain significance for Inborn genetic diseases. Last evaluated: 2024-12-25. Review status: criteria provided, single submitter. Criteria: Ambry Variant Classification Scheme 2023. Collection method: clinical testing. Allele origin: germline.

Labcorp Genetics (formerly Invitae), Labcorp
Classification: Uncertain significance for Short-rib thoracic dysplasia 11 with or without polydactyly. Last evaluated: 2021-12-23. Review status: criteria provided, single submitter. Criteria: Invitae Variant Classification Sherloc (09022015). Collection method: clinical testing. Allele origin: germline.
Comment: This sequence change replaces phenylalanine, which is neutral and non-polar, with leucine, which is neutral and non-polar, at codon 342 of the WDR34 protein (p.Phe342Leu). This variant is not present in population databases (gnomAD no frequency). This variant has not been reported in the literature in individuals affected with WDR34-related conditions. Algorithms developed to predict the effect of missense changes on protein structure and function output the following: SIFT: "Tolerated"; PolyPhen-2: "Benign"; Align-GVGD: "Class C0". The leucine amino acid residue is found in multiple mammalian species, which suggests that this missense change does not adversely affect protein function. In summary, the available evidence is currently insufficient to determine the role of this variant in disease. Therefore, it has been classified as a Variant of Uncertain Significance.

NM_052844.4(DYNC2I2):c.1024T>C (p.Phe342Leu)

Genes: DYNC2I2 (dynein 2 intermediate chain 2; minus strand), LOC126860772 (CDK7 strongly-dependent group 2 enhancer GRCh37_chr9:131396972-131398171; plus strand). Cytogenetic location: 9q34.11.
Variant type: single nucleotide variant.
Coding change: c.1024T>C on transcript NM_052844.4 (MANE Select); coding-DNA position 1024, T replaced by C.
Protein change: p.Phe342Leu; replaces phenylalanine 342 with leucine.
Molecular consequence: missense variant.
Genome position (GRCh38, 1-based): chr9:128,634,879, A>G on the plus strand (T>C on the coding strand, the complement: DYNC2I2 is on the minus strand). VCF-style: chr9-128634879-A-G. GRCh37 (hg19) VCF-style: chr9-131397158-A-G.
Other names: c.1024T>C (NM_052844.3); short protein forms F342L.
Identifiers: ClinVar variation 2160994 (VCV002160994.2), dbSNP rs2542431728, ClinGen allele CA375113885.